The following is an entry in ClinVar:

NM_001353345.2(SETD1B):c.3627T>A (p.Phe1209Leu)

Gene: SETD1B (SET domain containing 1B, histone lysine methyltransferase; plus strand). Cytogenetic location: 12q24.31.
Variant type: single nucleotide variant.
Coding change: c.3627T>A on transcript NM_001353345.2 (MANE Select); coding-DNA position 3627, T replaced by A.
Protein change: p.Phe1209Leu; replaces phenylalanine 1209 with leucine.
Molecular consequence: missense variant.
Genome position (GRCh38, 1-based): chr12:121,819,612, T>A. VCF-style: chr12-121819612-T-A. GRCh37 (hg19) VCF-style: chr12-122257518-T-A.
Other names: short protein forms F1209L.
Identifiers: ClinVar variation 3899166 (VCV003899166.1).

ClinVar aggregate classification (germline): Uncertain significance (1 of 4 stars; one submission).

Submission:

GeneDx
Classification: Uncertain significance. Last evaluated: 2024-11-12. Review status: criteria provided, single submitter. Criteria: GeneDx Variant Classification Process June 2021. Collection method: clinical testing. Allele origin: germline. Affected: yes.
Comment: Not observed at significant frequency in large population cohorts (gnomAD); In silico analysis indicates that this missense variant does not alter protein structure/function; Has not been previously published as pathogenic or benign to our knowledge